The following is an entry in ClinVar:

NM_001048174.2(MUTYH):c.1509T>C (p.Asn503=)

Gene: MUTYH (mutY DNA glycosylase; minus strand). Cytogenetic location: 1p34.1.
Variant type: single nucleotide variant.
Coding change: c.1509T>C on transcript NM_001048174.2 (MANE Select); coding-DNA position 1509, T replaced by C.
Protein change: p.Asn503=; no amino-acid change (asparagine 503 retained).
Molecular consequence: synonymous variant. On other transcripts: non-coding transcript variant (2).
Genome position (GRCh38, 1-based): chr1:45,329,363, A>G on the plus strand (T>C on the coding strand, the complement: MUTYH is on the minus strand). VCF-style: chr1-45329363-A-G. GRCh37 (hg19) VCF-style: chr1-45795035-A-G.
Other names: c.1509T>C, p.Asn503= (NM_001048171.2, NM_001048173.2, NM_001293195.2); c.1512T>C, p.Asn504= (NM_001048172.2); c.1593T>C, p.Asn531= (NM_001128425.2); c.1554T>C, p.Asn518= (NM_001293190.2); c.1542T>C, p.Asn514= (NM_001293191.2); c.1233T>C, p.Asn411= (NM_001293192.2, NM_001293196.2); c.1164T>C, p.Asn388= (NM_001350650.2, NM_001350651.2); c.1584T>C, p.Asn528= (NM_012222.3).
Identifiers: ClinVar variation 231253 (VCV000231253.17), dbSNP rs876659054, ClinGen allele CA10577694.

ClinVar aggregate classification (germline): Likely benign. Review status: criteria provided, multiple submitters, no conflicts (2 of 4 stars). 5 submissions from 5 submitters: Likely benign (5). Last evaluated 2024-08-07.

Conditions:
Hereditary cancer-predisposing syndrome. Also called: Tumor predisposition; Hereditary Cancer Syndrome; Neoplastic Syndromes, Hereditary; Hereditary neoplastic syndrome. Identifiers: Orphanet 140162, MedGen C0027672, MeSH D009386, MONDO:0015356.
Familial adenomatous polyposis 2. Also called: MYH-associated polyposis; FAP type 2; ADENOMAS, MULTIPLE COLORECTAL, AUTOSOMAL RECESSIVE; MUTYH Polyposis; MUTYH-associated polyposis; MUTYH-related attenuated familial adenomatous polyposis. Identifiers: Orphanet 220460, Orphanet 247798, MedGen C3272841, MONDO:0012041, OMIM 608456.

Allele frequency attached by ClinVar (database versions not stated): gnomAD exomes 0.00001.
gnomAD v4.1: 3 of 1,614,190 alleles (0.00019%); highest among the groups gnomAD compares: Non-Finnish European, 0.00025%; no homozygotes.

Submissions (5):

Labcorp Genetics (formerly Invitae), Labcorp
Classification: Likely benign for Familial adenomatous polyposis 2. Last evaluated: 2024-08-07. Review status: criteria provided, single submitter. Criteria: Invitae Variant Classification Sherloc (09022015). Collection method: clinical testing. Allele origin: germline.

All of Us Research Program, National Institutes of Health
Classification: Likely benign for Familial adenomatous polyposis 2. Last evaluated: 2023-12-13. Review status: criteria provided, single submitter. Criteria: ACMG Guidelines, 2015. Collection method: clinical testing. Allele origin: germline. Inheritance: Autosomal recessive inheritance. Observed: 2 variant alleles, 2 heterozygotes.
Comment: This study involves interpretation of variants in research participants for the purpose of population health screening. Participant phenotype was not available at the time of variant classification. Additional details can be found in publication PMID: 35346344, PMCID: PMC8962531

Quest Diagnostics Nichols Institute San Juan Capistrano
Classification: Likely benign. Last evaluated: 2020-02-21. Review status: criteria provided, single submitter. Criteria: Quest Diagnostics criteria. Collection method: clinical testing. Allele origin: unknown.

Color Diagnostics, LLC DBA Color Health
Classification: Likely benign for Hereditary cancer-predisposing syndrome. Last evaluated: 2016-08-15. Review status: criteria provided, single submitter. Criteria: ACMG Guidelines, 2015. Collection method: clinical testing. Allele origin: germline.

Ambry Genetics
Classification: Likely benign for Hereditary cancer-predisposing syndrome. Last evaluated: 2015-04-12. Review status: criteria provided, single submitter. Criteria: Ambry Variant Classification Scheme 2023. Collection method: clinical testing. Allele origin: germline.